The following is an entry in ClinVar:

ClinVar aggregate classification (germline): Uncertain significance (1 of 4 stars; one submission).

Submission:

GeneDx
Classification: Uncertain significance. Last evaluated: 2025-06-25. Review status: criteria provided, single submitter. Criteria: GeneDx Variant Classification Process June 2021. Collection method: clinical testing. Allele origin: germline. Affected: yes.
Comment: Not observed at significant frequency in large population cohorts (gnomAD); Has not been previously published as pathogenic or benign to our knowledge; In silico analysis does not support a benign or deleterious effect of this variant on protein structure/function

NM_033517.1:c.5059G>C

Gene: SHANK3 (SH3 and multiple ankyrin repeat domains 3; plus strand).
Variant type: single nucleotide variant.
Other names: c.5059G>C (NM_033517.1).
Identifiers: ClinVar variation 4540370 (VCV004540370.1).